The following is an entry in ClinVar:

ClinVar aggregate classification (germline): Uncertain significance (1 of 4 stars; one submission).

Submission:

GeneDx
Classification: Uncertain significance. Last evaluated: 2026-05-19. Review status: criteria provided, single submitter. Criteria: GeneDx Variant Classification Process June 2021. Collection method: clinical testing. Allele origin: germline.
Comment: Reported as A-48T in a family with Van der Woude syndrome; however, detailed clinical information was not provided (PMID: 12219090); Published functional studies demonstrate a damaging effect leading to reduced luciferase mRNA levels and activity suggesting a loss of function effect (PMID: 19372376); No data available from control populations to assess the frequency of this variant; Located in a regulatory region; This variant is associated with the following publications: (PMID: 12219090, 19372376)

NM_006147.4(IRF6):c.-48A>T

Gene: IRF6 (interferon regulatory factor 6; minus strand). Cytogenetic location: 1q32.2.
Variant type: single nucleotide variant.
Coding change: c.-48A>T on transcript NM_006147.4 (MANE Select); 48 bases upstream of the start codon, A replaced by T.
Molecular consequence: 5 prime UTR variant. On other transcripts: intron variant (1).
Genome position (GRCh38, 1-based): chr1:209,802,016, T>A on the plus strand (A>T on the coding strand, the complement: IRF6 is on the minus strand). VCF-style: chr1-209802016-T-A. GRCh37 (hg19) VCF-style: chr1-209975361-T-A.
Other names: c.-112+3931A>T (NM_001206696.2).
Identifiers: ClinVar variation 4795370 (VCV004795370.2).